The following is an entry in ClinVar:

ClinVar aggregate classification (germline): Likely benign (1 of 4 stars; one submission).

Allele frequency attached by ClinVar (database versions not stated): gnomAD exomes below 0.00001; gnomAD 0.00001; TOPMed 0.00002.
gnomAD v4.1: 4 of 1,522,438 alleles (0.00026%); highest among the groups gnomAD compares: African/African-American, 0.0014%; no homozygotes.

Submission:

GeneDx
Classification: Likely benign. Last evaluated: 2017-04-04. Review status: criteria provided, single submitter. Criteria: GeneDx Variant Classification (06012015). Collection method: clinical testing. Allele origin: germline. Affected: yes.
Comment: This variant is considered likely benign or benign based on one or more of the following criteria: it is a conservative change, it occurs at a poorly conserved position in the protein, it is predicted to be benign by multiple in silico algorithms, and/or has population frequency not consistent with disease.

NM_005633.4(SOS1):c.-43C>T

Genes: SOS1 (SOS Ras/Rac guanine nucleotide exchange factor 1; minus strand), LOC129933535 (ATAC-STARR-seq lymphoblastoid silent region 11384; plus strand). Cytogenetic location: 2p22.1.
Variant type: single nucleotide variant.
Coding change: c.-43C>T on transcript NM_005633.4 (MANE Select); 43 bases upstream of the start codon, C replaced by T.
Molecular consequence: 5 prime UTR variant. On other transcripts: intron variant (1).
Genome position (GRCh38, 1-based): chr2:39,120,465, G>A on the plus strand (C>T on the coding strand, the complement: SOS1 is on the minus strand). VCF-style: chr2-39120465-G-A. GRCh37 (hg19) VCF-style: chr2-39347606-G-A.
Other names: c.-43C>T (NM_001382395.1); c.66+4199C>T (NM_001382394.1).
Identifiers: ClinVar variation 506314 (VCV000506314.1), dbSNP rs1016843875, ClinGen allele CA46022017.
Genomic context (GRCh38, chr2:39,120,465, plus strand): 5'-CAGCTGCTGCGCCTGCATGGTGCCCCCGGGGCGCCTCTGGGCGGGGAGAGGGGCGGCGGC[G>A]GCCGGGCCAGGGAGCCGCGAGAGGGCGAGCTCGCAGCGCGGAACAGGGCCGCGGCCCCAC-3'